The following is an entry in ClinVar:

NM_014915.3(ANKRD26):c.20A>T (p.Lys7Met)

Genes: ANKRD26 (ankyrin repeat domain containing 26; minus strand), LOC130003554 (ATAC-STARR-seq lymphoblastoid silent region 2243; plus strand). Cytogenetic location: 10p12.1.
Variant type: single nucleotide variant.
Coding change: c.20A>T on transcript NM_014915.3 (MANE Select); coding-DNA position 20, A replaced by T.
Protein change: p.Lys7Met; replaces lysine 7 with methionine.
Molecular consequence: missense variant.
Genome position (GRCh38, 1-based): chr10:27,100,307, T>A on the plus strand (A>T on the coding strand, the complement: ANKRD26 is on the minus strand). VCF-style: chr10-27100307-T-A. GRCh37 (hg19) VCF-style: chr10-27389236-T-A.
Other names: c.20A>T, p.Lys7Met (NM_001256053.2); short protein forms K7M.
Identifiers: ClinVar variation 3871632 (VCV003871632.1).

ClinVar aggregate classification (germline): Uncertain significance (1 of 4 stars; one submission).

Conditions:
Inborn genetic diseases. Identifiers: MedGen C0950123, MeSH D030342.

Submission:

Ambry Genetics
Classification: Uncertain significance for Inborn genetic diseases. Last evaluated: 2025-02-22. Review status: criteria provided, single submitter. Criteria: Ambry Variant Classification Scheme 2023. Collection method: clinical testing. Allele origin: germline.
Comment: The p.K7M variant (also known as c.20A>T), located in coding exon 1 of the ANKRD26 gene, results from an A to T substitution at nucleotide position 20. The lysine at codon 7 is replaced by methionine, an amino acid with similar properties. This amino acid position is conserved. In addition, this alteration is predicted to be tolerated by in silico analysis. Based on the available evidence, the clinical significance of this variant remains unclear.